The following is an entry in ClinVar:

NM_000066.4(C8B):c.1383C>A (p.Ala461=)

Gene: C8B (complement C8 beta chain; minus strand). Cytogenetic location: 1p32.2.
Variant type: single nucleotide variant.
Coding change: c.1383C>A on transcript NM_000066.4 (MANE Select); coding-DNA position 1383, C replaced by A.
Protein change: p.Ala461=; no amino-acid change (alanine 461 retained).
Molecular consequence: synonymous variant.
Genome position (GRCh38, 1-based): chr1:56,940,864, G>T on the plus strand (C>A on the coding strand, the complement: C8B is on the minus strand). VCF-style: chr1-56940864-G-T. GRCh37 (hg19) VCF-style: chr1-57406537-G-T.
Other names: c.1227C>A, p.Ala409= (NM_001278543.2); c.1197C>A, p.Ala399= (NM_001278544.2).
Identifiers: ClinVar variation 3058059 (VCV003058059.2), dbSNP rs1644841427, ClinGen allele CA417976493.

ClinVar aggregate classification (germline): Likely benign (0 of 4 stars; one submission).

Conditions:
C8B-related disorder. Also called: C8B-related condition.

Submission:

PreventionGenetics, part of Exact Sciences
Classification: Likely benign for C8B-related condition. Last evaluated: 2019-03-27. Review status: no assertion criteria provided. Collection method: clinical testing. Allele origin: germline.
Comment: This variant is classified as likely benign based on ACMG/AMP sequence variant interpretation guidelines (Richards et al. 2015 PMID: 25741868, with internal and published modifications).